The following is an entry in ClinVar:

ClinVar aggregate classification (germline): Pathogenic. Review status: reviewed by expert panel (3 of 4 stars). 8 submissions from 8 submitters: Pathogenic (1). 7 of the submissions do not count toward it. Last evaluated 2024-10-04.

Conditions:
GAA-related disorder. Also called: GAA-related condition.
Glycogen storage disease, type II (IOPD). Also called: POMPE DISEASE, INFANTILE-ONSET; GLYCOGEN STORAGE DISEASE II, INFANTILE-ONSET; ACID ALPHA-GLUCOSIDASE DEFICIENCY, INFANTILE-ONSET; GAA DEFICIENCY, INFANTILE-ONSET; ACID MALTASE DEFICIENCY, INFANTILE-ONSET; Glucosidase acid-1,4-alpha deficiency. Identifiers: Orphanet 365, MedGen C0017921, MONDO:0009290, OMIM 232300.

Submissions (8):

ClinGen Lysosomal Storage Disorder Variant Curation Expert Panel
Classification: Pathogenic for Glycogen storage disease, type II. Last evaluated: 2024-10-04. Review status: reviewed by expert panel. Criteria: clingen_lsd_acmg_specifications_v2-1. Collection method: curation. Allele origin: germline. Inheritance: Autosomal recessive inheritance.
Comment: The NM_000152.5:c.1551+1G>C variant alters the canonical donor splice site of intron 10 of GAA. Sequence analysis of cDNA from an individual who is compound heterozygous for this variant revealed that the variant results in skipping of exon 10 (GAA has 20 exons). Skipping of exon 10 results in an in-frame deletion of amino acids 480-517. This region forms part of the GAA catalytic barrel (amino acids 347-727) including two residues, Trp481 and Trp516, which are important in active site architecture and substrate binding (Kroos et al, 2012, PMID 22253258; Deming et al, 2017; DOI 10.1101/212837; Roig-Zamboni et al, 2017, PMID: 29061980). Therefore, loss of this exon is expected to abolish GAA activity (PVS1). At least 7 patients with findings consistent with Pompe disease have been reported with this variant. GAA activity was reported for 2 patients and was deficient (<10% residual activity) (PMID: 7881425, 25673129) (PP4_Moderate). At least 5 patients are compound heterozygous for the variant and c.-32-13T>G (known pathogenic variant) (ClinVar Variation ID: 4027) (phase unknown, max 2 x 0.5 points) (PMID: 7881425, 16917947, 25673129). Two patients are compound heterozygous for the variant and another variant in GAA, either c.1437+2T>C (PMID: 11343339) or c.1755-1G>A (PMID: 17056254); both confirmed in trans. The allelic data from these patients will be used in the assessment of the second variant and is not included here to avoid circular logic. 1 point (PM3). This variant is absent in gnomAD v2.1.1. In gnomAD v4.1.0., the highest population minor allele frequency is 0.000001695 (2/1179958 alleles; 0 homozygotes) which is lower that the ClinGen LD VCEP's threshold for PM2_Supporting (<0.001), in the European non-Finnish population, meeting this criterion (PM2_Supporting). Other variants at the same canonical donor splice site have been reported in patients with Pompe disease, including c.1551+1G>A, c.1551+1G>T, and c.1551+2T>G. These variants have not yet been classified by the ClinGen LD VCEP. There is a ClinVar entry for this variant (Variation ID: 554983). In summary, this variant meets the criteria to be classified as pathogenic for Pompe disease. GAA-specific ACMG/AMP criteria met, as specified by the ClinGen Lysosomal Diseases Variant Curation Expert Panel (Specifications Version 2.0): PVS1, PM3, PP4_Moderate, PM2_Supporting. (Classification approved by the ClinGen Lysosomal Diseases Variant Curation Expert Panel on October 4, 2024)

Genomenon, Inc
Classification: Pathogenic for Glycogen storage disease, type II. Last evaluated: 2026-07-01. Review status: criteria provided, single submitter. Criteria: Genomenon Sequence Variant Interpretation Standards - Updated. Collection method: curation. Allele origin: germline. Affected: yes. Not counted in ClinVar's aggregate classification.
Comment: GAA c.1551+1G>C is a canonical splice variant affecting the donor splice site of intron 10. It is predicted to affect mRNA splicing, leading to a deleterious effect on the GAA protein. This variant has been observed in at least one proband with a GAA-related disorder (PMID:7881425;17056254;25673129). Functional studies have been reported (PMID:34606154). At least one splicing study has demonstrated that this variant results in aberrant splicing (PMID:7881425;11343339). It is absent or not present at a significant frequency in gnomAD. In conclusion, we classify GAA c.1551+1G>C as a pathogenic variant.

Natera, Inc.
Classification: Pathogenic for Glycogen storage disease type II. Last evaluated: 2025-04-22. Review status: criteria provided, single submitter. Criteria: Natera Variant Classification Schema (03/2026). Collection method: clinical testing. Allele origin: germline. Not counted in ClinVar's aggregate classification.
Comment: The c.1551+1G>C variant in GAA is a canonical splice donor site variant predicted to affect pre-mRNA splicing, which may result in an abnormal transcript and altered protein product. This variant is expected to result in nonsense mediated decay, truncation, or a dysfunctional protein product. This variant is rare in the general population with a frequency below the threshold expected for the associated phenotype(s). This variant has been observed in one or more individuals affected with the associated recessive disease, as either homozygous or compound heterozygous with a second variant (PMID: 25673129, 33202836). Another variant at this same site results in an alteration predicted to cause a similar molecular effect has been observed in individual(s) with the associated phenotype. Given the available evidence, this variant is classified as Pathogenic.

Labcorp Genetics (formerly Invitae), Labcorp
Classification: Pathogenic for Glycogen storage disease, type II. Last evaluated: 2025-02-19. Review status: criteria provided, single submitter. Criteria: Invitae Variant Classification Sherloc (09022015). Collection method: clinical testing. Allele origin: germline. Not counted in ClinVar's aggregate classification.
Comment: This sequence change affects a donor splice site in intron 10 of the GAA gene. RNA analysis indicates that disruption of this splice site induces altered splicing and likely results in a shortened protein product. This variant is not present in population databases (gnomAD no frequency). Disruption of this splice site has been observed in individual(s) with Pompe disease (PMID: 7881425, 22252923, 33202836). This variant is also known as IVS10 +1GT-CT. ClinVar contains an entry for this variant (Variation ID: 554983). Studies have shown that disruption of this splice site results in skipping of exon 10, but is expected to preserve the integrity of the reading-frame (PMID: 7881425). For these reasons, this variant has been classified as Pathogenic.

PreventionGenetics, part of Exact Sciences
Classification: Pathogenic for GAA-related condition. Last evaluated: 2025-01-29. Review status: criteria provided, single submitter. Criteria: ACMG Guidelines, 2015. Collection method: clinical testing. Allele origin: germline. Not counted in ClinVar's aggregate classification.
Comment: The GAA c.1551+1G>C variant is predicted to disrupt the GT donor site and interfere with normal splicing. This variant has been reported in the compound heterozygous state with a causative GAA variant in several individuals with Pompe disease (see for examples: Huie et al. 1994. PubMed ID: 7881425; Stroppiano et al. 2001. PubMed ID: 11343339; Ficicioglu et al. 2020. PubMed ID: 33202836; Palmer et al. 2006. PubMed ID: 17056254; Montalvo et al. 2006. PubMed ID: 16917947). Sequence analysis of cDNA demonstrated this variant results in the in-frame skipping of exon 10 (Huie et al. 1994. PubMed ID: 7881425). This variant has not been reported in a large population database (gnomAD), indicating this variant is rare, and this variant has been classified as pathogenic by the ClinGen Lysosomal Storage Disorder Variant Curation Expert Panel. Variants that disrupt the consensus splice donor site in GAA are expected to be pathogenic. Additionally, different nucleotide changes impacting the same GT donor site (c.1551+1G>A and c.1551+1G>T) have also been reported in individuals with Pompe disease and were also demonstrated to result in the same exon 10 skipping (Bergsma et al. 2014. PubMed ID: 25243733). Taken together, the c.1551+1G>C variant is interpreted as pathogenic.

Fulgent Genetics
Classification: Pathogenic for Glycogen storage disease, type II. Last evaluated: 2024-04-26. Review status: criteria provided, single submitter. Criteria: ACMG Guidelines, 2015. Collection method: clinical testing. Allele origin: germline. Not counted in ClinVar's aggregate classification.

Revvity Omics, Revvity
Classification: Pathogenic. Last evaluated: 2019-12-21. Review status: criteria provided, single submitter. Criteria: ACMG Guidelines, 2015. Collection method: clinical testing. Allele origin: germline. Not counted in ClinVar's aggregate classification.

Counsyl
Classification: Pathogenic for Glycogen storage disease, type II. Last evaluated: 2017-11-10. Review status: no assertion criteria provided. Collection method: clinical testing. Allele origin: unknown. Not counted in ClinVar's aggregate classification.

Literature cited by the submitters: PubMed 7881425 (cited by Genomenon, Inc and Labcorp Genetics (formerly Invitae), Labcorp); PubMed 17056254 (cited by Genomenon, Inc and Counsyl); PubMed 25673129 (cited by 3 submitters); PubMed 34606154 (cited by Genomenon, Inc); PubMed 11343339 (cited by Genomenon, Inc); PubMed 33202836 (cited by Natera, Inc. and Labcorp Genetics (formerly Invitae), Labcorp); PubMed 22252923 (cited by Labcorp Genetics (formerly Invitae), Labcorp); PubMed 21179066 (cited by Counsyl).

NM_000152.5(GAA):c.1551+1G>C

Gene: GAA (alpha glucosidase; plus strand). Cytogenetic location: 17q25.3.
Variant type: single nucleotide variant.
Coding change: c.1551+1G>C on transcript NM_000152.5 (MANE Select); the canonical splice donor site of the intron after coding-DNA position 1551, G replaced by C.
Molecular consequence: splice donor variant.
Genome position (GRCh38, 1-based): chr17:80,110,841, G>C. VCF-style: chr17-80110841-G-C. GRCh37 (hg19) VCF-style: chr17-78084640-G-C.
Other names: c.1551+1G>C (NM_001406741.1, NM_001406742.1, NM_001079803.3 and 2 more transcripts).
Identifiers: ClinVar variation 554983 (VCV000554983.17), dbSNP rs770780848, ClinGen allele CA401367167.